The following is an entry in ClinVar:

NM_052989.3(IFT122):c.3431_3432delinsCT (p.Ile1144Thr)

Gene: IFT122 (intraflagellar transport 122; plus strand). Cytogenetic location: 3q22.1.
Variant type: Indel.
Coding change: c.3431_3432delinsCT on transcript NM_052989.3 (MANE Select); coding-DNA positions 3431 to 3432, TC replaced by CT.
Protein change: p.Ile1144Thr; replaces isoleucine 1144 with threonine.
Molecular consequence: missense variant.
Genome position (GRCh38, 1-based): chr3:129,519,146-129,519,147, TC replaced by CT. VCF-style: chr3-129519146-TC-CT. GRCh37 (hg19) VCF-style: chr3-129237989-TC-CT.
Other names: c.3410_3411delinsCT, p.Ile1137Thr (NM_001280541.2); c.2981_2982delinsCT, p.Ile994Thr (NM_001280545.2); c.2804_2805delinsCT, p.Ile935Thr (NM_001280546.2); c.3434_3435delTCinsCT, p.Ile1145Thr (NM_001410808.1); c.3377_3378delTCinsCT, p.Ile1126Thr (NM_001410809.1); c.3257_3258delTCinsCT, p.Ile1086Thr (NM_001410810.1); c.3203_3204delTCinsCT, p.Ile1068Thr (NM_001410811.1); c.3200_3201delTCinsCT, p.Ile1067Thr (NM_001410813.1); and 5 more; short protein forms I1086T, I1145T, I1195T, I935T, I1033T, I1126T, I1034T, I1067T.
Identifiers: ClinVar variation 2120214 (VCV002120214.4), dbSNP rs2532947807, ClinGen allele CA2580068733.

ClinVar aggregate classification (germline): Uncertain significance (1 of 4 stars; one submission).

Conditions:
Cranioectodermal dysplasia 1 (CED1). Also called: LEVIN SYNDROME I. Identifiers: Orphanet 1515, MedGen C0432235, MONDO:0021093, OMIM 218330.

Submission:

Labcorp Genetics (formerly Invitae), Labcorp
Classification: Uncertain significance for Cranioectodermal dysplasia 1. Last evaluated: 2022-04-01. Review status: criteria provided, single submitter. Criteria: Invitae Variant Classification Sherloc (09022015). Collection method: clinical testing. Allele origin: germline.
Comment: This variant has not been reported in the literature in individuals affected with IFT122-related conditions. In summary, the available evidence is currently insufficient to determine the role of this variant in disease. Therefore, it has been classified as a Variant of Uncertain Significance. Algorithms developed to predict the effect of missense changes on protein structure and function are either unavailable or do not agree on the potential impact of this missense change (SIFT: "Not Available"; PolyPhen-2: "Benign"; Align-GVGD: "Not Available"). Information on the frequency of this variant in the gnomAD database is not available, as this variant may be reported differently in the database. This sequence change replaces isoleucine, which is neutral and non-polar, with threonine, which is neutral and polar, at codon 1195 of the IFT122 protein (p.Ile1195Thr).